The following is an entry in ClinVar:

ClinVar aggregate classification (germline): Benign. Review status: criteria provided, multiple submitters, no conflicts (2 of 4 stars). 4 submissions from 4 submitters: Benign (3). 1 of the submissions does not count toward it. Last evaluated 2026-02-01.

Conditions:
SNX14-related disorder. Also called: SNX14-related condition.

Submissions 1 to 30 of 41:

Labcorp Genetics (formerly Invitae), Labcorp
Classification: Benign. Last evaluated: 2026-02-01. Review status: criteria provided, single submitter. Criteria: Invitae Variant Classification Sherloc (09022015). Collection method: clinical testing. Allele origin: germline.

Mayo Clinic Laboratories, Mayo Clinic
Classification: Benign. Last evaluated: 2024-01-11. Review status: criteria provided, single submitter. Criteria: ACMG Guidelines, 2015. Collection method: clinical testing. Allele origin: germline. Observed: 15 variant alleles.
Comment: BA1, BS2

GeneDx
Classification: Benign. Last evaluated: 2020-02-28. Review status: criteria provided, single submitter. Criteria: GeneDx Variant Classification Process June 2021. Collection method: clinical testing. Allele origin: germline. Affected: yes.

PreventionGenetics, part of Exact Sciences
Classification: Benign for SNX14-related condition. Last evaluated: 2019-04-26. Review status: no assertion criteria provided. Collection method: clinical testing. Allele origin: germline. Not counted in ClinVar's aggregate classification.
Comment: This variant is classified as benign based on ACMG/AMP sequence variant interpretation guidelines (Richards et al. 2015 PMID: 25741868, with internal and published modifications).

Dr. Peter K. Rogan Lab, Western University
No classification provided (evidence only). Condition: Familial cancer of breast. Review status: no classification provided. Collection method: in vitro. Allele origin: not applicable. Functional consequence: retained intron. Not counted in ClinVar's aggregate classification.

Dr. Peter K. Rogan Lab, Western University
No classification provided (evidence only). Condition: Familial cancer of breast. Review status: no classification provided. Collection method: in vitro. Allele origin: not applicable. Functional consequence: skipped exon. Not counted in ClinVar's aggregate classification.

Dr. Peter K. Rogan Lab, Western University
No classification provided (evidence only). Condition: Familial cancer of breast. Review status: no classification provided. Collection method: in vitro. Allele origin: not applicable. Functional consequence: skipped exon, retained intron. Not counted in ClinVar's aggregate classification.

Dr. Peter K. Rogan Lab, Western University
No classification provided (evidence only). Condition: Familial cancer of breast. Review status: no classification provided. Collection method: in vitro. Allele origin: not applicable. Functional consequence: skipped exon. Not counted in ClinVar's aggregate classification.

Dr. Peter K. Rogan Lab, Western University
No classification provided (evidence only). Condition: Familial cancer of breast. Review status: no classification provided. Collection method: in vitro. Allele origin: not applicable. Functional consequence: retained intron. Not counted in ClinVar's aggregate classification.

Dr. Peter K. Rogan Lab, Western University
No classification provided (evidence only). Condition: Familial cancer of breast. Review status: no classification provided. Collection method: in vitro. Allele origin: not applicable. Functional consequence: skipped exon. Not counted in ClinVar's aggregate classification.

Dr. Peter K. Rogan Lab, Western University
No classification provided (evidence only). Condition: Familial cancer of breast. Review status: no classification provided. Collection method: in vitro. Allele origin: not applicable. Functional consequence: skipped exon, retained intron. Not counted in ClinVar's aggregate classification.

Dr. Peter K. Rogan Lab, Western University
No classification provided (evidence only). Condition: Cholangiocarcinoma. Review status: no classification provided. Collection method: in vitro. Allele origin: not applicable. Functional consequence: retained intron. Not counted in ClinVar's aggregate classification.

Dr. Peter K. Rogan Lab, Western University
No classification provided (evidence only). Condition: Colon adenocarcinoma. Review status: no classification provided. Collection method: in vitro. Allele origin: not applicable. Functional consequence: retained intron. Not counted in ClinVar's aggregate classification.

Dr. Peter K. Rogan Lab, Western University
No classification provided (evidence only). Condition: Colon adenocarcinoma. Review status: no classification provided. Collection method: in vitro. Allele origin: not applicable. Functional consequence: retained intron. Not counted in ClinVar's aggregate classification.

Dr. Peter K. Rogan Lab, Western University
No classification provided (evidence only). Condition: Colon adenocarcinoma. Review status: no classification provided. Collection method: in vitro. Allele origin: not applicable. Functional consequence: skipped exon. Not counted in ClinVar's aggregate classification.

Dr. Peter K. Rogan Lab, Western University
No classification provided (evidence only). Condition: Malignant lymphoma, large B-cell, diffuse. Review status: no classification provided. Collection method: in vitro. Allele origin: not applicable. Functional consequence: retained intron. Not counted in ClinVar's aggregate classification.

Dr. Peter K. Rogan Lab, Western University
No classification provided (evidence only). Condition: Nonpapillary renal cell carcinoma. Review status: no classification provided. Collection method: in vitro. Allele origin: not applicable. Functional consequence: skipped exon. Not counted in ClinVar's aggregate classification.

Dr. Peter K. Rogan Lab, Western University
No classification provided (evidence only). Condition: Colorectal cancer. Review status: no classification provided. Collection method: in vitro. Allele origin: not applicable. Functional consequence: retained intron. Not counted in ClinVar's aggregate classification.

Dr. Peter K. Rogan Lab, Western University
No classification provided (evidence only). Condition: Colorectal cancer. Review status: no classification provided. Collection method: in vitro. Allele origin: not applicable. Functional consequence: retained intron. Not counted in ClinVar's aggregate classification.

Dr. Peter K. Rogan Lab, Western University
No classification provided (evidence only). Condition: Gastric cancer. Review status: no classification provided. Collection method: in vitro. Allele origin: not applicable. Functional consequence: retained intron. Not counted in ClinVar's aggregate classification.

Dr. Peter K. Rogan Lab, Western University
No classification provided (evidence only). Condition: Malignant tumor of esophagus. Review status: no classification provided. Collection method: in vitro. Allele origin: not applicable. Functional consequence: retained intron. Not counted in ClinVar's aggregate classification.

Dr. Peter K. Rogan Lab, Western University
No classification provided (evidence only). Condition: Malignant tumor of esophagus. Review status: no classification provided. Collection method: in vitro. Allele origin: not applicable. Functional consequence: skipped exon, retained intron. Not counted in ClinVar's aggregate classification.

Dr. Peter K. Rogan Lab, Western University
No classification provided (evidence only). Condition: Malignant tumor of esophagus. Review status: no classification provided. Collection method: in vitro. Allele origin: not applicable. Functional consequence: skipped exon, retained intron. Not counted in ClinVar's aggregate classification.

Dr. Peter K. Rogan Lab, Western University
No classification provided (evidence only). Condition: Malignant tumor of esophagus. Review status: no classification provided. Collection method: in vitro. Allele origin: not applicable. Functional consequence: skipped exon, retained intron. Not counted in ClinVar's aggregate classification.

Dr. Peter K. Rogan Lab, Western University
No classification provided (evidence only). Condition: Malignant tumor of esophagus. Review status: no classification provided. Collection method: in vitro. Allele origin: not applicable. Functional consequence: skipped exon, retained intron. Not counted in ClinVar's aggregate classification.

Dr. Peter K. Rogan Lab, Western University
No classification provided (evidence only). Condition: Chronic lymphocytic leukemia/small lymphocytic lymphoma. Review status: no classification provided. Collection method: in vitro. Allele origin: not applicable. Functional consequence: retained intron. Not counted in ClinVar's aggregate classification.

Dr. Peter K. Rogan Lab, Western University
No classification provided (evidence only). Condition: Nonpapillary renal cell carcinoma. Review status: no classification provided. Collection method: in vitro. Allele origin: not applicable. Functional consequence: retained intron. Not counted in ClinVar's aggregate classification.

Dr. Peter K. Rogan Lab, Western University
No classification provided (evidence only). Condition: Nonpapillary renal cell carcinoma. Review status: no classification provided. Collection method: in vitro. Allele origin: not applicable. Functional consequence: skipped exon, retained intron. Not counted in ClinVar's aggregate classification.

Dr. Peter K. Rogan Lab, Western University
No classification provided (evidence only). Condition: Nonpapillary renal cell carcinoma. Review status: no classification provided. Collection method: in vitro. Allele origin: not applicable. Functional consequence: retained intron. Not counted in ClinVar's aggregate classification.

Dr. Peter K. Rogan Lab, Western University
No classification provided (evidence only). Condition: Familial pancreatic carcinoma. Review status: no classification provided. Collection method: in vitro. Allele origin: not applicable. Functional consequence: retained intron. Not counted in ClinVar's aggregate classification.

NM_153816.6(SNX14):c.141-9_141-6del

Gene: SNX14 (sorting nexin 14; minus strand). Cytogenetic location: 6q14.3.
Variant type: Microsatellite.
Coding change: c.141-9_141-6del on transcript NM_153816.6 (MANE Select); 9 bases into the intron before coding-DNA position 141 through 6 bases into the intron before coding-DNA position 141, 4 bases deleted (ATTT; older notation c.141-9_141-6delATTT).
Molecular consequence: intron variant.
Genome position (GRCh38, 1-based): chr6:85,574,384-85,574,387, AAAT deleted on the plus strand (ATTT on the coding strand, the reverse complement: SNX14 is on the minus strand); deleting any 4 consecutive bases within chr6:85,574,384-85,574,391 gives the same sequence; the c. name uses the placement nearest the transcript's 3' end. VCF-style (leftmost placement, unchanged base first): chr6-85574383-AAAAT-A. GRCh37 (hg19) VCF-style: chr6-86284101-AAAAT-A.
Other names: NC_000006.11:g.86284106_86284109del; p.?; c.141-13_141-10del (NM_153816.6); c.-16-9_-16-6del (NM_001350543.2, NM_001350539.2, NM_001350542.2 and 2 more transcripts); c.-260-9_-260-6del (NM_001350546.2, NM_001350545.2); c.-825-9_-825-6del (NM_001350547.2); c.-1011-9_-1011-6del (NM_001350553.2, NM_001350549.2, NM_001350550.2); c.141-9_141-6del (NM_001350537.2, NM_001350534.2, NM_001350535.2 and 7 more transcripts); and 4 more.
Identifiers: ClinVar variation 1235120 (VCV001235120.12), dbSNP rs5877941, ClinGen allele CA3912526.
Genomic context (GRCh38, chr6:85,574,383, plus strand): 5'-AGAATGTGACAACTCCAGCAACAAATGACCAGAAGATCATTAAAATATGAATATACCTTA[AAAAT>A]AAATGAAAATAATTATTACAACCAAAGAAAATGCCTAATTCTAAGTTACCGCTTCACTGA-3'